The following is an entry in ClinVar:

ClinVar aggregate classification (germline): Likely benign. Review status: criteria provided, multiple submitters, no conflicts (2 of 4 stars). 4 submissions from 4 submitters: Likely benign (4). Last evaluated 2026-02-12.

Conditions:
SIX5-related disorder. Also called: SIX5-related condition.

Allele frequency attached by ClinVar (database versions not stated): 1000 Genomes Project 30x 0.00016; gnomAD exomes 0.00016; 1000 Genomes Project 0.00020; ExAC 0.00071.
gnomAD v4.1: 99 of 1,471,814 alleles (0.0067%); highest among the groups gnomAD compares: African/African-American, 0.096%; no homozygotes.

Submissions (4):

PreventionGenetics, part of Exact Sciences
Classification: Likely benign for SIX5-related condition. Last evaluated: 2026-02-12. Review status: criteria provided, single submitter. Criteria: ACMG Guidelines, 2015. Collection method: clinical testing. Allele origin: germline.
Comment: This variant is classified as likely benign based on ACMG/AMP sequence variant interpretation guidelines (Richards et al. 2015 PMID: 25741868, with internal and published modifications).

Labcorp Genetics (formerly Invitae), Labcorp
Classification: Likely benign. Last evaluated: 2025-09-08. Review status: criteria provided, single submitter. Criteria: Invitae Variant Classification Sherloc (09022015). Collection method: clinical testing. Allele origin: germline.

Blueprint Genetics
Classification: Likely benign. Last evaluated: 2022-11-15. Review status: criteria provided, single submitter. Criteria: ACMG Guidelines, 2015. Collection method: clinical testing. Allele origin: germline.

GeneDx
Classification: Likely benign. Last evaluated: 2019-07-11. Review status: criteria provided, single submitter. Criteria: GeneDx Variant Classification Process June 2021. Collection method: clinical testing. Allele origin: germline. Affected: yes.
Comment: In silico analysis, which includes splice predictors and evolutionary conservation, supports a deleterious effect; Has not been previously published as pathogenic or benign to our knowledge

NM_175875.5(SIX5):c.1380G>A (p.Pro460=)

Gene: SIX5 (SIX homeobox 5; minus strand). Cytogenetic location: 19q13.32.
Variant type: single nucleotide variant.
Coding change: c.1380G>A on transcript NM_175875.5 (MANE Select); coding-DNA position 1380, G replaced by A.
Protein change: p.Pro460=; no amino-acid change (proline 460 retained).
Molecular consequence: synonymous variant.
Genome position (GRCh38, 1-based): chr19:45,766,579, C>T on the plus strand (G>A on the coding strand, the complement: SIX5 is on the minus strand). VCF-style: chr19-45766579-C-T. GRCh37 (hg19) VCF-style: chr19-46269837-C-T.
Identifiers: ClinVar variation 1318272 (VCV001318272.11), dbSNP rs569568887, ClinGen allele CA9520629.